The following is an entry in ClinVar:

NM_019098.5(CNGB3):c.991-2A>G

Gene: CNGB3 (cyclic nucleotide gated channel subunit beta 3; minus strand). Cytogenetic location: 8q21.3.
Variant type: single nucleotide variant.
Coding change: c.991-2A>G on transcript NM_019098.5 (MANE Select); the canonical splice acceptor site of the intron before coding-DNA position 991, A replaced by G.
Molecular consequence: splice acceptor variant.
Genome position (GRCh38, 1-based): chr8:86,644,688, T>C on the plus strand (A>G on the coding strand, the complement: CNGB3 is on the minus strand). VCF-style: chr8-86644688-T-C. GRCh37 (hg19) VCF-style: chr8-87656916-T-C.
Identifiers: ClinVar variation 2744439 (VCV002744439.3), dbSNP rs2538099980, ClinGen allele CA371447859.

ClinVar aggregate classification (germline): Likely pathogenic (1 of 4 stars; one submission).

Submission:

Labcorp Genetics (formerly Invitae), Labcorp
Classification: Likely pathogenic. Last evaluated: 2023-11-01. Review status: criteria provided, single submitter. Criteria: Invitae Variant Classification Sherloc (09022015). Collection method: clinical testing. Allele origin: germline.
Comment: This sequence change affects an acceptor splice site in intron 8 of the CNGB3 gene. It is expected to disrupt RNA splicing. Variants that disrupt the donor or acceptor splice site typically lead to a loss of protein function (PMID: 16199547), and loss-of-function variants in CNGB3 are known to be pathogenic (PMID: 28795510). This variant is not present in population databases (gnomAD no frequency). This variant has not been reported in the literature in individuals affected with CNGB3-related conditions. Algorithms developed to predict the effect of sequence changes on RNA splicing suggest that this variant may disrupt the consensus splice site. In summary, the currently available evidence indicates that the variant is pathogenic, but additional data are needed to prove that conclusively. Therefore, this variant has been classified as Likely Pathogenic.

Literature cited by the submitters: PubMed 16199547; PubMed 28795510.